The following is an entry in ClinVar:

NM_005359.6(SMAD4):c.255T>C (p.Ala85=)

Gene: SMAD4 (SMAD family member 4; plus strand). Cytogenetic location: 18q21.2.
Variant type: single nucleotide variant.
Coding change: c.255T>C on transcript NM_005359.6 (MANE Select); coding-DNA position 255, T replaced by C.
Protein change: p.Ala85=; no amino-acid change (alanine 85 retained).
Molecular consequence: synonymous variant. On other transcripts: non-coding transcript variant (2).
Genome position (GRCh38, 1-based): chr18:51,048,691, T>C. VCF-style: chr18-51048691-T-C. GRCh37 (hg19) VCF-style: chr18-48575061-T-C.
Other names: c.255T>C, p.Ala85= (NM_001407041.1, NM_001407042.1, NM_001407043.1).
Identifiers: ClinVar variation 3903833 (VCV003903833.1).

ClinVar aggregate classification (germline): Benign (1 of 4 stars; one submission).

Conditions:
Juvenile polyposis/hereditary hemorrhagic telangiectasia syndrome (JPHT). Also called: JP/HHT SYNDROME; JUVENILE POLYPOSIS WITH HEREDITARY HEMORRHAGIC TELANGIECTASIA; POLYPOSIS, GENERALIZED JUVENILE, WITH PULMONARY ARTERIOVENOUS MALFORMATION; TELANGIECTASIA, HEREDITARY HEMORRHAGIC, WITH JUVENILE POLYPOSIS COLI; Juvenile Polyposis Syndrome / Hereditary Hemorrhagic Telangiectasia (JPS/HHT). Identifiers: Orphanet 2929, MedGen C1832942, MONDO:0008278, OMIM 175050.

Submission:

Myriad Genetics, Inc.
Classification: Benign for Juvenile polyposis/hereditary hemorrhagic telangiectasia syndrome. Last evaluated: 2025-03-18. Review status: criteria provided, single submitter. Criteria: Myriad Autosomal Dominant, Autosomal Recessive and X-Linked Classification Criteria (2023). Collection method: clinical testing. Allele origin: unknown.
Comment: This variant is considered benign. This variant is a silent/synonymous amino acid change and it is not expected to impact splicing.